The following is an entry in ClinVar:

ClinVar aggregate classification (germline): Uncertain significance. Review status: criteria provided, multiple submitters, no conflicts (2 of 4 stars). 2 submissions from 2 submitters: Uncertain significance (2). Last evaluated 2024-08-19.

Conditions:
Inborn genetic diseases. Identifiers: MedGen C0950123, MeSH D030342.
Glycine encephalopathy. Also called: Nonketotic hyperglycinemia; Non-ketotic hyperglycinemia. Identifiers: Orphanet 407, MedGen C0751748, MONDO:0011612, HP:0008288.

Allele frequency attached by ClinVar (database versions not stated): TOPMed 0.00001; gnomAD exomes 0.00002.
gnomAD v4.1: 31 of 1,316,492 alleles (0.0024%); highest among the groups gnomAD compares: South Asian, 0.055%; no homozygotes.

Submissions (2):

Ambry Genetics
Classification: Uncertain significance for Inborn genetic diseases. Last evaluated: 2024-08-19. Review status: criteria provided, single submitter. Criteria: Ambry Variant Classification Scheme 2023. Collection method: clinical testing. Allele origin: germline.

Labcorp Genetics (formerly Invitae), Labcorp
Classification: Uncertain significance for Glycine encephalopathy. Last evaluated: 2022-03-23. Review status: criteria provided, single submitter. Criteria: Invitae Variant Classification Sherloc (09022015). Collection method: clinical testing. Allele origin: germline.
Comment: In summary, the available evidence is currently insufficient to determine the role of this variant in disease. Therefore, it has been classified as a Variant of Uncertain Significance. Algorithms developed to predict the effect of missense changes on protein structure and function (SIFT, PolyPhen-2, Align-GVGD) all suggest that this variant is likely to be tolerated. ClinVar contains an entry for this variant (Variation ID: 1036776). This variant has not been reported in the literature in individuals affected with GCSH-related conditions. This variant is not present in population databases (gnomAD no frequency). This sequence change replaces valine, which is neutral and non-polar, with glycine, which is neutral and non-polar, at codon 38 of the GCSH protein (p.Val38Gly).

NM_004483.5(GCSH):c.113T>G (p.Val38Gly)

Genes: GCSH (glycine cleavage system protein H; minus strand), LOC130059495 (ATAC-STARR-seq lymphoblastoid silent region 7751; plus strand). Cytogenetic location: 16q23.2.
Variant type: single nucleotide variant.
Coding change: c.113T>G on transcript NM_004483.5 (MANE Select); coding-DNA position 113, T replaced by G.
Protein change: p.Val38Gly; replaces valine 38 with glycine.
Molecular consequence: missense variant. On other transcripts: non-coding transcript variant (1).
Genome position (GRCh38, 1-based): chr16:81,096,166, A>C on the plus strand (T>G on the coding strand, the complement: GCSH is on the minus strand). VCF-style: chr16-81096166-A-C. GRCh37 (hg19) VCF-style: chr16-81129771-A-C.
Other names: c.113T>G (NM_004483.4); short protein forms V38G.
Identifiers: ClinVar variation 1036776 (VCV001036776.10), dbSNP rs888630308, ClinGen allele CA284249590.